The following is an entry in ClinVar:

NM_006563.5(KLF1):c.894G>T (p.Ala298=)

Genes: KLF1 (KLF transcription factor 1; minus strand), LOC117125591 (CRISPRi-FlowFISH-validated PRDX2 and RAD23A regulatory element; plus strand). Cytogenetic location: 19p13.13.
Variant type: single nucleotide variant.
Coding change: c.894G>T on transcript NM_006563.5 (MANE Select); coding-DNA position 894, G replaced by T.
Protein change: p.Ala298=; no amino-acid change (alanine 298 retained).
Molecular consequence: synonymous variant.
Genome position (GRCh38, 1-based): chr19:12,885,336, C>A on the plus strand (G>T on the coding strand, the complement: KLF1 is on the minus strand). VCF-style: chr19-12885336-C-A. GRCh37 (hg19) VCF-style: chr19-12996150-C-A.
Other names: p.Ala298=.
Identifiers: ClinVar variation 2038798 (VCV002038798.6), dbSNP rs377567042, ClinGen allele CA9233991.

ClinVar aggregate classification (germline): Benign/Likely benign. Review status: criteria provided, multiple submitters, no conflicts (2 of 4 stars). 3 submissions from 3 submitters: Benign (1); Likely benign (2). Last evaluated 2026-08-31.

Conditions:
KLF1-related disorder. Also called: KLF1-Related Disorders; KLF1-related condition.

Allele frequency attached by ClinVar (database versions not stated): ESP Exome Variant Server 0.00039; 1000 Genomes Project 0.00060; 1000 Genomes Project 30x 0.00062.
gnomAD v4.1: 145 of 1,594,568 alleles (0.0091%); highest among the groups gnomAD compares: African/African-American, 0.16%; 1 homozygote.

Submissions (3):

PreventionGenetics, part of Exact Sciences
Classification: Likely benign for KLF1-related condition. Last evaluated: 2026-08-31. Review status: criteria provided, single submitter. Criteria: ACMG Guidelines, 2015. Collection method: clinical testing. Allele origin: germline.
Comment: This variant is classified as likely benign based on ACMG/AMP sequence variant interpretation guidelines (Richards et al. 2015 PMID: 25741868, with internal and published modifications).

Labcorp Genetics (formerly Invitae), Labcorp
Classification: Benign. Last evaluated: 2025-12-23. Review status: criteria provided, single submitter. Criteria: Invitae Variant Classification Sherloc (09022015). Collection method: clinical testing. Allele origin: germline.

Mayo Clinic Laboratories, Mayo Clinic
Classification: Likely benign. Last evaluated: 2025-03-18. Review status: criteria provided, single submitter. Criteria: ACMG Guidelines, 2015. Collection method: clinical testing. Allele origin: germline. Observed: 1 variant allele.
Comment: BP4, BP7